The following is an entry in ClinVar:

ClinVar aggregate classification (germline): Uncertain significance (1 of 4 stars; one submission).

Conditions:
Malignant hyperthermia, susceptibility to, 1 (MHS1). Also called: Anesthesia related hyperthermia; Malignant hyperpyrexia; Fulminating hyperpyrexia; Pharmacogenic myopathy; RYR1-Related Malignant Hyperthermia Susceptibility; Malignant hyperthermia suceptibility 1. Identifiers: Orphanet 423, MedGen C2930980, MONDO:0007783, OMIM 145600.

Allele frequency attached by ClinVar (database versions not stated): gnomAD exomes below 0.00001.

Submission:

All of Us Research Program, National Institutes of Health
Classification: Uncertain significance for Malignant hyperthermia, susceptibility to, 1. Last evaluated: 2023-09-17. Review status: criteria provided, single submitter. Criteria: ACMG Guidelines, 2015. Collection method: clinical testing. Allele origin: germline. Inheritance: Autosomal dominant inheritance. Observed: 1 variant allele, 1 heterozygote.
Comment: This missense variant replaces methionine with threonine at codon 2546 of the RYR1 protein. Computational prediction is inconclusive regarding the impact of this variant on protein structure and function (internally defined REVEL score threshold 0.5 < inconclusive < 0.7, PMID: 27666373). To our knowledge, functional studies have not been reported for this variant. This variant has not been reported in individuals affected with RYR1-related disorders in the literature. This variant has not been identified in the general population by the Genome Aggregation Database (gnomAD). The available evidence is insufficient to determine the role of this variant in disease conclusively. Therefore, this variant is classified as a Variant of Uncertain Significance.

This study involves interpretation of variants in research participants for the purpose of population health screening. Participant phenotype was not available at the time of variant classification. Additional details can be found in publication PMID: 35346344, PMCID: PMC8962531

NM_000540.3(RYR1):c.7637T>C (p.Met2546Thr)

Gene: RYR1 (ryanodine receptor 1; plus strand). Cytogenetic location: 19q13.2.
Variant type: single nucleotide variant.
Coding change: c.7637T>C on transcript NM_000540.3 (MANE Select); coding-DNA position 7637, T replaced by C.
Protein change: p.Met2546Thr; replaces methionine 2546 with threonine.
Molecular consequence: missense variant.
Genome position (GRCh38, 1-based): chr19:38,502,529, T>C. VCF-style: chr19-38502529-T-C. GRCh37 (hg19) VCF-style: chr19-38993169-T-C.
Other names: c.7637T>C, p.Met2546Thr (NM_001042723.2); short protein forms M2546T.
Identifiers: ClinVar variation 3073408 (VCV003073408.1), dbSNP rs2514332725, ClinGen allele CA405671419.